The following is an entry in ClinVar:

NM_144666.3(DNHD1):c.6498T>C (p.Tyr2166=)

Gene: DNHD1 (dynein heavy chain domain 1; plus strand). Cytogenetic location: 11p15.4.
Variant type: single nucleotide variant.
Coding change: c.6498T>C on transcript NM_144666.3 (MANE Select); coding-DNA position 6498, T replaced by C.
Protein change: p.Tyr2166=; no amino-acid change (tyrosine 2166 retained).
Molecular consequence: synonymous variant.
Genome position (GRCh38, 1-based): chr11:6,547,437, T>C. VCF-style: chr11-6547437-T-C. GRCh37 (hg19) VCF-style: chr11-6568667-T-C.
Identifiers: ClinVar variation 3041231 (VCV003041231.2), dbSNP rs61729699, ClinGen allele CA5856135.
Genomic context (GRCh38, chr11:6,547,437, plus strand): 5'-GTGTGGTGGAGAGCAGACTTGGCAGTGTATACTTAGTGCCCTGATGGCATCCCTTCCTTA[T>C]GAGTACCGCCTGCAGCACCGGACAGTCGCTGAGCTCAACCACATGGCTGAGGTTCTGGTG-3'
Protein context (NP_653267.2, residues 2156-2176): ILSALMASLP[Tyr2166=]EYRLQHRTVA

ClinVar aggregate classification (germline): Benign (0 of 4 stars; one submission).

Conditions:
DNHD1-related disorder. Also called: DNHD1-related condition.

Allele frequency attached by ClinVar (database versions not stated): 1000 Genomes Project 30x 0.00921; 1000 Genomes Project 0.00978; ExAC 0.01883; ESP Exome Variant Server 0.02387.
gnomAD v4.1: 38,238 of 1,551,678 alleles (2.5%); highest among the groups gnomAD compares: Non-Finnish European, 2.8%; 579 homozygotes.

Submission:

PreventionGenetics, part of Exact Sciences
Classification: Benign for DNHD1-related condition. Last evaluated: 2019-02-18. Review status: no assertion criteria provided. Collection method: clinical testing. Allele origin: germline.
Comment: This variant is classified as benign based on ACMG/AMP sequence variant interpretation guidelines (Richards et al. 2015 PMID: 25741868, with internal and published modifications).